The following is an entry in ClinVar:

NM_024753.5(TTC21B):c.2961G>A (p.Met987Ile)

Gene: TTC21B (tetratricopeptide repeat domain 21B; minus strand). Cytogenetic location: 2q24.3.
Variant type: single nucleotide variant.
Coding change: c.2961G>A on transcript NM_024753.5 (MANE Select); coding-DNA position 2961, G replaced by A.
Protein change: p.Met987Ile; replaces methionine 987 with isoleucine.
Molecular consequence: missense variant.
Genome position (GRCh38, 1-based): chr2:165,890,978, C>T on the plus strand (G>A on the coding strand, the complement: TTC21B is on the minus strand). VCF-style: chr2-165890978-C-T. GRCh37 (hg19) VCF-style: chr2-166747488-C-T.
Other names: short protein forms M987I.
Identifiers: ClinVar variation 1408510 (VCV001408510.6), dbSNP rs778812999, ClinGen allele CA1941630.

ClinVar aggregate classification (germline): Uncertain significance (1 of 4 stars; one submission).

Conditions:
Jeune thoracic dystrophy. Also called: Short-rib thoracic dysplasia; Infantile thoracic dystrophy; Thoracic pelvic phalangeal dystrophy; Jeune's syndrome; Chondroectodermal dysplasia-like syndrome; Jeune syndrome. Identifiers: Orphanet 474, MedGen C0265275, MONDO:0018770.
Nephronophthisis. Also called: Juvenile Nephronophthisis. Identifiers: Orphanet 655, MedGen C0687120, MONDO:0019005, HP:0000090.

Allele frequency attached by ClinVar (database versions not stated): TOPMed below 0.00001; ExAC 0.00001; gnomAD 0.00001; gnomAD exomes 0.00001 and 0.00003.
gnomAD v4.1: 42 of 1,611,082 alleles (0.0026%); highest among the groups gnomAD compares: Non-Finnish European, 0.0036%; no homozygotes.

Submission:

Labcorp Genetics (formerly Invitae), Labcorp
Classification: Uncertain significance for Jeune thoracic dystrophy; Nephronophthisis. Last evaluated: 2022-06-27. Review status: criteria provided, single submitter. Criteria: Invitae Variant Classification Sherloc (09022015). Collection method: clinical testing. Allele origin: germline.
Comment: In summary, the available evidence is currently insufficient to determine the role of this variant in disease. Therefore, it has been classified as a Variant of Uncertain Significance. Algorithms developed to predict the effect of sequence changes on RNA splicing suggest that this variant may disrupt the consensus splice site. Algorithms developed to predict the effect of missense changes on protein structure and function (SIFT, PolyPhen-2, Align-GVGD) all suggest that this variant is likely to be tolerated. This variant has not been reported in the literature in individuals affected with TTC21B-related conditions. This variant is present in population databases (rs778812999, gnomAD 0.002%). This sequence change replaces methionine, which is neutral and non-polar, with isoleucine, which is neutral and non-polar, at codon 987 of the TTC21B protein (p.Met987Ile).